The following is an entry in ClinVar:

ClinVar aggregate classification (germline): Uncertain significance (1 of 4 stars; one submission).

Conditions:
Rhabdoid tumor predisposition syndrome 2 (RTPS2). Identifiers: Orphanet 231108, Orphanet 69077, MedGen C2750074, MONDO:0013224, OMIM 613325.

Submission:

Labcorp Genetics (formerly Invitae), Labcorp
Classification: Uncertain significance for Rhabdoid tumor predisposition syndrome 2. Last evaluated: 2023-11-01. Review status: criteria provided, single submitter. Criteria: Invitae Variant Classification Sherloc (09022015). Collection method: clinical testing. Allele origin: germline.
Comment: This sequence change replaces proline, which is neutral and non-polar, with histidine, which is basic and polar, at codon 1488 of the SMARCA4 protein (p.Pro1488His). This variant is not present in population databases (gnomAD no frequency). This variant has not been reported in the literature in individuals affected with SMARCA4-related conditions. Advanced modeling of protein sequence and biophysical properties (such as structural, functional, and spatial information, amino acid conservation, physicochemical variation, residue mobility, and thermodynamic stability) has been performed at Invitae for this missense variant, however the output from this modeling did not meet the statistical confidence thresholds required to predict the impact of this variant on SMARCA4 protein function. In summary, the available evidence is currently insufficient to determine the role of this variant in disease. Therefore, it has been classified as a Variant of Uncertain Significance.

NM_003072.5(SMARCA4):c.4367C>A (p.Pro1456His)

Gene: SMARCA4 (SWI/SNF related BAF chromatin remodeling complex subunit ATPase 4; plus strand). Cytogenetic location: 19p13.2.
Variant type: single nucleotide variant.
Coding change: c.4367C>A on transcript NM_003072.5 (MANE Select); coding-DNA position 4367, C replaced by A.
Protein change: p.Pro1456His; replaces proline 1456 with histidine.
Molecular consequence: missense variant. On other transcripts: non-coding transcript variant (1).
Genome position (GRCh38, 1-based): chr19:11,041,503, C>A. VCF-style: chr19-11041503-C-A. GRCh37 (hg19) VCF-style: chr19-11152179-C-A.
Other names: c.4367C>A, p.Pro1456His (NM_001128844.3); c.4277C>A, p.Pro1426His (NM_001128845.2, NM_001128846.2); c.4268C>A, p.Pro1423His (NM_001128847.4, NM_001128848.2, NM_001374457.1); c.4463C>A, p.Pro1488His (NM_001128849.3, NM_001387283.1); c.4364C>A, p.Pro1455His (NM_001411150.1); short protein forms P1423H, P1426H, P1455H, P1456H, P1488H.
Identifiers: ClinVar variation 2773128 (VCV002773128.3), dbSNP rs2075611320, ClinGen allele CA404074016.